The following is an entry in ClinVar:

NM_003002.4(SDHD):c.266_267dup (p.Ala90fs)

Gene: SDHD (succinate dehydrogenase complex subunit D; plus strand). Cytogenetic location: 11q23.1.
Variant type: Microsatellite.
Coding change: c.266_267dup on transcript NM_003002.4 (MANE Select); coding-DNA positions 266 to 267, 2 bases duplicated (CT; older notation c.266_267dupCT).
Protein change: p.Ala90fs; shifts the reading frame from alanine 90.
Molecular consequence: frameshift variant. On other transcripts: non-coding transcript variant (1), intron variant (1).
Genome position (GRCh38, 1-based): chr11:112,088,963-112,088,964, CT duplicated; duplicating any 2 consecutive bases within chr11:112,088,961-112,088,964 gives the same sequence; the c. name uses the placement nearest the transcript's 3' end. VCF-style (leftmost placement, unchanged base first): chr11-112088960-G-GCT. GRCh37 (hg19) VCF-style: chr11-111959684-G-GCT.
Other names: c.149_150dup, p.Ala51fs (NM_001276504.2); c.266_267dup, p.Ala90fs (NM_001276506.2); c.169+988CT[3] (NM_001276503.2); short protein forms A90fs, A51fs.
Identifiers: ClinVar variation 1794440 (VCV001794440.3), dbSNP rs2498905122, ClinGen allele CA2580615068.

ClinVar aggregate classification (germline): Pathogenic (1 of 4 stars; one submission).

Conditions:
Hereditary cancer-predisposing syndrome. Also called: Tumor predisposition; Hereditary Cancer Syndrome; Neoplastic Syndromes, Hereditary; Hereditary neoplastic syndrome. Identifiers: Orphanet 140162, MedGen C0027672, MeSH D009386, MONDO:0015356.

Submission:

Ambry Genetics
Classification: Pathogenic for Hereditary cancer-predisposing syndrome. Last evaluated: 2024-06-18. Review status: criteria provided, single submitter. Criteria: Ambry Variant Classification Scheme 2023. Collection method: clinical testing. Allele origin: germline.
Comment: The c.266_267dupCT pathogenic mutation, located in coding exon 3 of the SDHD gene, results from a duplication of CT at nucleotide position 266, causing a translational frameshift with a predicted alternate stop codon (p.A90Lfs*46). This alteration occurs at the 3' terminus of theSDHD gene, is not expected to trigger nonsense-mediated mRNA decay, and only impacts the last 43% of the protein. However, premature stop codons are typically deleterious in nature, a significant portion of the protein is affected, and the impacted region is critical for protein function (Ambry internal data). In addition, this variant has been observed in at least one individual with a personal and/or family history that is consistent with SDHD-related paraganglioma-pheochromocytoma syndrome (Ambry internal data). This variant is considered to be rare based on population cohorts in the Genome Aggregation Database (gnomAD). As such, this alteration is interpreted as a disease-causing mutation.